The following is an entry in ClinVar:

NM_001290060.2(SEMA3B):c.450+9G>A

Gene: SEMA3B (semaphorin 3B; plus strand). Cytogenetic location: 3p21.31.
Variant type: single nucleotide variant.
Coding change: c.450+9G>A on transcript NM_001290060.2 (MANE Select); 9 bases into the intron after coding-DNA position 450, G replaced by A.
Molecular consequence: intron variant.
Genome position (GRCh38, 1-based): chr3:50,271,018, G>A. VCF-style: chr3-50271018-G-A. GRCh37 (hg19) VCF-style: chr3-50308449-G-A.
Other names: c.450+9G>A (NM_004636.4, NM_001005914.3, NM_001290061.1).
Identifiers: ClinVar variation 3041893 (VCV003041893.2), dbSNP rs368381650, ClinGen allele CA2413757.

ClinVar aggregate classification (germline): Likely benign (0 of 4 stars; one submission).

Conditions:
SEMA3B-related disorder. Also called: SEMA3B-related condition.

Allele frequency attached by ClinVar (database versions not stated): gnomAD exomes 0.00033; ExAC 0.00052; TOPMed 0.00019; gnomAD 0.00026; ESP Exome Variant Server 0.00048.

Submission:

PreventionGenetics, part of Exact Sciences
Classification: Likely benign for SEMA3B-related condition. Last evaluated: 2022-01-26. Review status: no assertion criteria provided. Collection method: clinical testing. Allele origin: germline.
Comment: This variant is classified as likely benign based on ACMG/AMP sequence variant interpretation guidelines (Richards et al. 2015 PMID: 25741868, with internal and published modifications).